The following is an entry in ClinVar:

ClinVar aggregate classification (germline): Benign. Review status: criteria provided, multiple submitters, no conflicts (2 of 4 stars). 2 submissions from 2 submitters: Benign (2). Last evaluated 2017-04-27.

Conditions:
Loeys-Dietz syndrome 4 (LDS4). Also called: ANEURYSM, AORTIC AND CEREBRAL, WITH ARTERIAL TORTUOSITY AND SKELETAL MANIFESTATIONS; TGFB2-Related Loeys-Dietz Syndrome. Identifiers: MedGen C3553762, MONDO:0013897, OMIM 614816.

Allele frequency attached by ClinVar (database versions not stated): TOPMed 0.00944; 1000 Genomes Project 0.01997; 1000 Genomes Project 30x 0.02077.

Submissions (2):

Illumina Laboratory Services, Illumina
Classification: Benign for Loeys-Dietz syndrome 4. Last evaluated: 2017-04-27. Review status: criteria provided, single submitter. Criteria: ICSL Variant Classification Criteria 13 December 2019. Collection method: clinical testing. Allele origin: germline.
Comment: This variant was observed as part of a predisposition screen in an ostensibly healthy population. A literature search was performed for the gene, cDNA change, and amino acid change (where applicable). No publications were found based on this search. Allele frequency data from public databases was too high to be consistent with this variant causing disease. Therefore, this variant is classified as benign.

Breakthrough Genomics
Classification: Benign. Review status: criteria provided, single submitter. Criteria: ACMG Guidelines, 2015. Collection method: not provided. Allele origin: germline. Inheritance: Autosomal dominant inheritance. Affected: yes.

NM_003238.6(TGFB2):c.*2008G>A

Genes: TGFB2 (transforming growth factor beta 2; plus strand), TGFB2-OT1 (TGFB2 overlapping transcript 1; plus strand). Cytogenetic location: 1q41.
Variant type: single nucleotide variant.
Coding change: c.*2008G>A on transcript NM_003238.6 (MANE Select); 2008 bases downstream of the stop codon, G replaced by A.
Molecular consequence: 3 prime UTR variant. On other transcripts: non-coding transcript variant (3).
Genome position (GRCh38, 1-based): chr1:218,443,370, G>A. VCF-style: chr1-218443370-G-A. GRCh37 (hg19) VCF-style: chr1-218616712-G-A.
Other names: c.*2008G>A (NM_001135599.4).
Identifiers: ClinVar variation 295523 (VCV000295523.6), dbSNP rs12408711, ClinGen allele CA10609141.